The following is an entry in ClinVar:

ClinVar aggregate classification (germline): Uncertain significance (1 of 4 stars; one submission).

Conditions:
Cardiovascular phenotype. Identifiers: MedGen CN230736.

Submission:

Ambry Genetics
Classification: Uncertain significance for Cardiovascular phenotype. Last evaluated: 2020-09-02. Review status: criteria provided, single submitter. Criteria: Ambry Variant Classification Scheme 2023. Collection method: clinical testing. Allele origin: germline.
Comment: The p.Q320H variant (also known as c.960G>C), located in coding exon 8 of the DSC2 gene, results from a G to C substitution at nucleotide position 960. The glutamine at codon 320 is replaced by histidine, an amino acid with highly similar properties. This amino acid position is not well conserved in available vertebrate species, and histidine is the reference amino acid in other vertebrate species. In addition, this alteration is predicted to be tolerated by in silico analysis. Since supporting evidence is limited at this time, the clinical significance of this alteration remains unclear.

NM_024422.6(DSC2):c.960G>C (p.Gln320His)

Gene: DSC2 (desmocollin 2; minus strand). Cytogenetic location: 18q12.1.
Variant type: single nucleotide variant.
Coding change: c.960G>C on transcript NM_024422.6 (MANE Select); coding-DNA position 960, G replaced by C.
Protein change: p.Gln320His; replaces glutamine 320 with histidine.
Molecular consequence: missense variant.
Genome position (GRCh38, 1-based): chr18:31,083,043, C>G on the plus strand (G>C on the coding strand, the complement: DSC2 is on the minus strand). VCF-style: chr18-31083043-C-G. GRCh37 (hg19) VCF-style: chr18-28663009-C-G.
Other names: c.531G>C, p.Gln177His (NM_001406506.1, NM_001406507.1); c.960G>C, p.Gln320His (NM_004949.5); short protein forms Q177H, Q320H.
Identifiers: ClinVar variation 1767566 (VCV001767566.2), dbSNP rs2510949015, ClinGen allele CA402110980.